The following is an entry in ClinVar:

NM_001369.3(DNAH5):c.3865C>T (p.Leu1289Phe)

Genes: DNAH5 (dynein axonemal heavy chain 5; minus strand), DNAH5-AS1 (DNAH5 antisense RNA 1; plus strand). Cytogenetic location: 5p15.2.
Variant type: single nucleotide variant.
Coding change: c.3865C>T on transcript NM_001369.3 (MANE Select); coding-DNA position 3865, C replaced by T.
Protein change: p.Leu1289Phe; replaces leucine 1289 with phenylalanine.
Molecular consequence: missense variant.
Genome position (GRCh38, 1-based): chr5:13,867,962, G>A on the plus strand (C>T on the coding strand, the complement: DNAH5 is on the minus strand). VCF-style: chr5-13867962-G-A. GRCh37 (hg19) VCF-style: chr5-13868071-G-A.
Other names: short protein forms L1289F.
Identifiers: ClinVar variation 2245717 (VCV002245717.4), dbSNP rs2546988627, ClinGen allele CA359229744.

ClinVar aggregate classification (germline): Uncertain significance. Review status: criteria provided, multiple submitters, no conflicts (2 of 4 stars). 2 submissions from 2 submitters: Uncertain significance (2). Last evaluated 2025-01-21.

Conditions:
Primary ciliary dyskinesia. Also called: Ciliary dyskinesia. Identifiers: Orphanet 244, MedGen C0008780, MONDO:0016575, HP:0012265.

Allele frequency attached by ClinVar (database versions not stated): gnomAD exomes 0.00001.
gnomAD v4.1: 13 of 1,613,624 alleles (0.00081%); highest among the groups gnomAD compares: Non-Finnish European, 0.0011%; no homozygotes.

Submissions (2):

Labcorp Genetics (formerly Invitae), Labcorp
Classification: Uncertain significance for Primary ciliary dyskinesia. Last evaluated: 2025-01-21. Review status: criteria provided, single submitter. Criteria: Invitae Variant Classification Sherloc (09022015). Collection method: clinical testing. Allele origin: germline.
Comment: This sequence change replaces leucine, which is neutral and non-polar, with phenylalanine, which is neutral and non-polar, at codon 1289 of the DNAH5 protein (p.Leu1289Phe). This variant is not present in population databases (gnomAD no frequency). This variant has not been reported in the literature in individuals affected with DNAH5-related conditions. ClinVar contains an entry for this variant (Variation ID: 2245717). Invitae Evidence Modeling of protein sequence and biophysical properties (such as structural, functional, and spatial information, amino acid conservation, physicochemical variation, residue mobility, and thermodynamic stability) indicates that this missense variant is not expected to disrupt DNAH5 protein function with a negative predictive value of 95%. In summary, the available evidence is currently insufficient to determine the role of this variant in disease. Therefore, it has been classified as a Variant of Uncertain Significance.

Ambry Genetics
Classification: Uncertain significance for Primary ciliary dyskinesia. Last evaluated: 2021-08-16. Review status: criteria provided, single submitter. Criteria: Ambry Variant Classification Scheme 2023. Collection method: clinical testing. Allele origin: germline.